The following is an entry in ClinVar:

ClinVar aggregate classification (germline): Uncertain significance (1 of 4 stars; one submission).

Conditions:
RASopathy. Also called: rasopathies; Noonan spectrum disorder. Identifiers: Orphanet 536391, MedGen C5555857, MONDO:0021060.

Submission:

Labcorp Genetics (formerly Invitae), Labcorp
Classification: Uncertain significance for RASopathy. Last evaluated: 2018-05-13. Review status: criteria provided, single submitter. Criteria: Invitae Variant Classification Sherloc (09022015). Collection method: clinical testing. Allele origin: germline.
Comment: Algorithms developed to predict the effect of missense changes on protein structure and function (SIFT, PolyPhen-2, Align-GVGD) all suggest that this variant is likely to be disruptive, but these predictions have not been confirmed by published functional studies and their clinical significance is uncertain. This variant has not been reported in the literature in individuals with KRAS-related disease. This variant is not present in population databases (ExAC no frequency). This sequence change replaces threonine with alanine at codon 50 of the KRAS protein (p.Thr50Ala). The threonine residue is highly conserved and there is a small physicochemical difference between threonine and alanine. In summary, the available evidence is currently insufficient to determine the role of this variant in disease. Therefore, it has been classified as a Variant of Uncertain Significance.

NM_033360.4(KRAS):c.148A>G (p.Thr50Ala)

Gene: KRAS (KRAS proto-oncogene, GTPase; minus strand). Cytogenetic location: 12p12.1.
Variant type: single nucleotide variant.
Coding change: c.148A>G on transcript NM_033360.4 (MANE Plus Clinical); coding-DNA position 148, A replaced by G.
Protein change: p.Thr50Ala; replaces threonine 50 with alanine.
Molecular consequence: missense variant.
Genome position (GRCh38, 1-based): chr12:25,227,376, T>C on the plus strand (A>G on the coding strand, the complement: KRAS is on the minus strand). VCF-style: chr12-25227376-T-C. GRCh37 (hg19) VCF-style: chr12-25380310-T-C.
Other names: c.148A>G, p.Thr50Ala (LRG_344t1, LRG_344t2, NM_001369786.1 and 2 more transcripts); short protein forms T50A.
Identifiers: ClinVar variation 583307 (VCV000583307.8), dbSNP rs730880470, ClinGen allele CA384152328.
Genomic context (GRCh38, chr12:25,227,376, plus strand): 5'-GGTCCCTCATTGCACTGTACTCCTCTTGACCTGCTGTGTCGAGAATATCCAAGAGACAGG[T>C]TTCTCCATCAATTACTACTTGCTTCCTGTAGGAATCCTGAGAAGGGAGAAACACAGTCTG-3'
Protein context (NP_203524.1, residues 40-60): YRKQVVIDGE[Thr50Ala]CLLDILDTAG